The following is an entry in ClinVar:

ClinVar aggregate classification (germline): Uncertain significance (1 of 4 stars; one submission).

Allele frequency attached by ClinVar (database versions not stated): gnomAD 0.00001; gnomAD exomes 0.00002 and 0.00003; ExAC 0.00003; TOPMed 0.00003.

Submission:

Labcorp Genetics (formerly Invitae), Labcorp
Classification: Uncertain significance. Last evaluated: 2025-12-22. Review status: criteria provided, single submitter. Criteria: Invitae Variant Classification Sherloc (09022015). Collection method: clinical testing. Allele origin: germline.
Comment: This sequence change replaces arginine, which is basic and polar, with tryptophan, which is neutral and slightly polar, at codon 1230 of the ERBB2 protein (p.Arg1230Trp). This variant is present in population databases (rs769940977, gnomAD 0.005%). This missense change has been observed in individual(s) with breast cancer (PMID: 29072371). ClinVar contains an entry for this variant (Variation ID: 1428040). An algorithm developed to predict the effect of missense changes on protein structure and function (PolyPhen-2) suggests that this variant is likely to be disruptive. In summary, the available evidence is currently insufficient to determine the role of this variant in disease. Therefore, it has been classified as a Variant of Uncertain Significance.

Literature cited by the submitters: PubMed 29072371.

NM_004448.4(ERBB2):c.3688C>T (p.Arg1230Trp)

Gene: ERBB2 (erb-b2 receptor tyrosine kinase 2; plus strand). Cytogenetic location: 17q12.
Variant type: single nucleotide variant.
Coding change: c.3688C>T on transcript NM_004448.4 (MANE Select); coding-DNA position 3688, C replaced by T.
Protein change: p.Arg1230Trp; replaces arginine 1230 with tryptophan.
Molecular consequence: missense variant. On other transcripts: 3 prime UTR variant (2), non-coding transcript variant (1).
Genome position (GRCh38, 1-based): chr17:39,727,964, C>T. VCF-style: chr17-39727964-C-T. GRCh37 (hg19) VCF-style: chr17-37884217-C-T.
Other names: c.3598C>T, p.Arg1200Trp (NM_001005862.3, NM_001382782.1, NM_001382783.1); c.3643C>T, p.Arg1215Trp (NM_001289936.2); c.*267C>T (NM_001289937.2, NM_001382803.1); c.3805C>T, p.Arg1269Trp (NM_001382784.1); c.3790C>T, p.Arg1264Trp (NM_001382785.1); c.3769C>T, p.Arg1257Trp (NM_001382786.1); c.3763C>T, p.Arg1255Trp (NM_001382787.1); c.3718C>T, p.Arg1240Trp (NM_001382788.1); and 16 more; short protein forms R1144W, R1218W, R1255W, R1269W, R884W, R1178W, R1230W, R1237W.
Identifiers: ClinVar variation 1428040 (VCV001428040.8), dbSNP rs769940977, ClinGen allele CA8534599.
Genomic context (GRCh38, chr17:39,727,964, plus strand): 5'-CCTCCTGCCTTCAGCCCAGCCTTCGACAACCTCTATTACTGGGACCAGGACCCACCAGAG[C>T]GGGGGGCTCCACCCAGCACCTTCAAAGGGACACCTACGGCAGAGAACCCAGAGTACCTGG-3'
Protein context (NP_004439.2, residues 1220-1240): LYYWDQDPPE[Arg1230Trp]GAPPSTFKGT